The following is an entry in ClinVar:

NM_000152.5(GAA):c.858+4C>G

Gene: GAA (alpha glucosidase; plus strand). Cytogenetic location: 17q25.3.
Variant type: single nucleotide variant.
Coding change: c.858+4C>G on transcript NM_000152.5 (MANE Select); 4 bases into the intron after coding-DNA position 858, C replaced by G.
Molecular consequence: intron variant.
Genome position (GRCh38, 1-based): chr17:80,107,726, C>G. VCF-style: chr17-80107726-C-G. GRCh37 (hg19) VCF-style: chr17-78081525-C-G.
Other names: c.858+4C>G (NM_001079803.3, NM_001079804.3).
Identifiers: ClinVar variation 283766 (VCV000283766.16), dbSNP rs886042706, ClinGen allele CA10604590.

ClinVar aggregate classification (germline): Uncertain significance. Review status: criteria provided, multiple submitters, no conflicts (2 of 4 stars). 4 submissions from 4 submitters: Uncertain significance (4). Last evaluated 2026-07-01.

Conditions:
Glycogen storage disease, type II (IOPD). Also called: CARDIOMEGALIA GLYCOGENICA DIFFUSA; GLYCOGEN STORAGE DISEASE II, INFANTILE-ONSET; POMPE DISEASE, INFANTILE-ONSET; ACID ALPHA-GLUCOSIDASE DEFICIENCY, INFANTILE-ONSET; GAA DEFICIENCY, INFANTILE-ONSET; ACID MALTASE DEFICIENCY, INFANTILE-ONSET. Identifiers: Orphanet 365, MedGen C0017921, MONDO:0009290, OMIM 232300.

Submissions (4):

Genomenon, Inc
Classification: Uncertain significance for Glycogen storage disease, type II. Last evaluated: 2026-07-01. Review status: criteria provided, single submitter. Criteria: Genomenon Sequence Variant Interpretation Standards - Updated. Collection method: curation. Allele origin: germline. Affected: no.
Comment: GAA c.858+4C>G is an intronic variant located in the donor splice region of intron 4. This variant has been reported in the published literature (PMID:33103328). It is absent or not present at a significant frequency in gnomAD. In silico models predict that this variant is not damaging. In conclusion, we classify GAA c.858+4C>G as a variant of uncertain significance.

Labcorp Genetics (formerly Invitae), Labcorp
Classification: Uncertain significance for Glycogen storage disease, type II. Last evaluated: 2025-03-17. Review status: criteria provided, single submitter. Criteria: Invitae Variant Classification Sherloc (09022015). Collection method: clinical testing. Allele origin: germline.
Comment: This sequence change falls in intron 4 of the GAA gene. It does not directly change the encoded amino acid sequence of the GAA protein. It affects a nucleotide within the consensus splice site. This variant is not present in population databases (gnomAD no frequency). This variant has not been reported in the literature in individuals affected with GAA-related conditions. ClinVar contains an entry for this variant (Variation ID: 283766). Variants that disrupt the consensus splice site are a relatively common cause of aberrant splicing (PMID: 17576681, 9536098). Algorithms developed to predict the effect of sequence changes on RNA splicing suggest that this variant is not likely to affect RNA splicing. In summary, the available evidence is currently insufficient to determine the role of this variant in disease. Therefore, it has been classified as a Variant of Uncertain Significance.

Genome-Nilou Lab
Classification: Uncertain significance for Glycogen storage disease, type II. Last evaluated: 2021-09-05. Review status: criteria provided, single submitter. Criteria: ACMG Guidelines, 2015. Collection method: clinical testing. Allele origin: germline. Affected: no.

Eurofins Ntd Llc (ga)
Classification: Uncertain significance. Last evaluated: 2015-10-09. Review status: criteria provided, single submitter. Criteria: EGL Classification Definitions 2015. Collection method: clinical testing. Allele origin: germline. Observed: 1 variant allele, 1 heterozygote.

Literature cited by the submitters: PubMed 33103328 (cited by Genomenon, Inc); PubMed 17576681 (cited by Labcorp Genetics (formerly Invitae), Labcorp); PubMed 9536098 (cited by Labcorp Genetics (formerly Invitae), Labcorp).